The following is an entry in ClinVar:

NM_000718.4(CACNA1B):c.1424T>C (p.Ile475Thr)

Gene: CACNA1B (calcium voltage-gated channel subunit alpha1 B; plus strand). Cytogenetic location: 9q34.3.
Variant type: single nucleotide variant.
Coding change: c.1424T>C on transcript NM_000718.4 (MANE Select); coding-DNA position 1424, T replaced by C.
Protein change: p.Ile475Thr; replaces isoleucine 475 with threonine.
Molecular consequence: missense variant.
Genome position (GRCh38, 1-based): chr9:137,971,473, T>C. VCF-style: chr9-137971473-T-C. GRCh37 (hg19) VCF-style: chr9-140865925-T-C.
Other names: c.1424T>C, p.Ile475Thr (NM_001243812.2); short protein forms I475T.
Identifiers: ClinVar variation 4755964 (VCV004755964.1).

ClinVar aggregate classification (germline): Uncertain significance (1 of 4 stars; one submission).

Submission:

GeneDx
Classification: Uncertain significance. Last evaluated: 2025-08-07. Review status: criteria provided, single submitter. Criteria: GeneDx Variant Classification Process June 2021. Collection method: clinical testing. Allele origin: germline. Affected: yes.
Comment: Not observed at significant frequency in large population cohorts (gnomAD); In silico analysis supports that this missense variant has a deleterious effect on protein structure/function; Has not been previously published as pathogenic or benign to our knowledge